The following is an entry in ClinVar:

ClinVar aggregate classification (germline): Uncertain significance (1 of 4 stars; one submission).

Allele frequency attached by ClinVar (database versions not stated): TOPMed below 0.00001; gnomAD 0.00001.
gnomAD v4.1: 1 of 1,613,708 alleles (0.000062%); highest among the groups gnomAD compares: Non-Finnish European, 0.000085%; no homozygotes.

Submission:

Labcorp Genetics (formerly Invitae), Labcorp
Classification: Uncertain significance. Last evaluated: 2022-02-25. Review status: criteria provided, single submitter. Criteria: Invitae Variant Classification Sherloc (09022015). Collection method: clinical testing. Allele origin: germline.
Comment: This variant has not been reported in the literature in individuals affected with TAOK2-related conditions. In summary, the available evidence is currently insufficient to determine the role of this variant in disease. Therefore, it has been classified as a Variant of Uncertain Significance. Algorithms developed to predict the effect of sequence changes on RNA splicing suggest that this variant may disrupt the consensus splice site. This variant is not present in population databases (gnomAD no frequency). This sequence change affects an acceptor splice site in intron 11 of the TAOK2 gene. It is expected to disrupt RNA splicing. Variants that disrupt the donor or acceptor splice site typically lead to a loss of protein function (PMID: 16199547), however the current clinical and genetic evidence is not sufficient to establish whether loss-of-function variants in TAOK2 cause disease.

Literature cited by the submitters: PubMed 16199547.

NM_016151.4(TAOK2):c.1000-2A>G

Gene: TAOK2 (TAO kinase 2; plus strand). Cytogenetic location: 16p11.2.
Variant type: single nucleotide variant.
Coding change: c.1000-2A>G on transcript NM_016151.4 (MANE Select); the canonical splice acceptor site of the intron before coding-DNA position 1000, A replaced by G.
Molecular consequence: splice acceptor variant.
Genome position (GRCh38, 1-based): chr16:29,983,070, A>G. VCF-style: chr16-29983070-A-G. GRCh37 (hg19) VCF-style: chr16-29994391-A-G.
Other names: c.1000-2A>G (NM_004783.4, NM_001252043.2).
Identifiers: ClinVar variation 2103393 (VCV002103393.4), dbSNP rs1283543483, ClinGen allele CA395479057.